The following is an entry in ClinVar:

NM_020975.6(RET):c.1880-9C>T

Gene: RET (ret proto-oncogene; plus strand). Cytogenetic location: 10q11.21.
Variant type: single nucleotide variant.
Coding change: c.1880-9C>T on transcript NM_020975.6 (MANE Select); 9 bases into the intron before coding-DNA position 1880, C replaced by T.
Molecular consequence: intron variant.
Genome position (GRCh38, 1-based): chr10:43,114,471, C>T. VCF-style: chr10-43114471-C-T. GRCh37 (hg19) VCF-style: chr10-43609919-C-T.
Other names: c.1880-9C>T (NM_001406760.1, NM_020630.7, NM_001406743.1 and 2 more transcripts); c.1880-144C>T (NM_001406765.1, NM_001406763.1); c.1484-9C>T (NM_001406772.1, NM_001406769.1); c.1442-9C>T (NM_001406773.1, NM_001406771.1); c.983-9C>T (NM_001406782.1, NM_001406780.1, NM_001406779.1 and 1 more transcripts); c.983-144C>T (NM_001406787.1); c.863-9C>T (NM_001406785.1); c.1751-9C>T (NM_001406764.1, NM_001406762.1, NM_001406761.1); and 10 more.
Identifiers: ClinVar variation 1100616 (VCV001100616.12), dbSNP rs1160839983, ClinGen allele CA593289983.

ClinVar aggregate classification (germline): Likely benign. Review status: criteria provided, multiple submitters, no conflicts (2 of 4 stars). 4 submissions from 4 submitters: Likely benign (4). Last evaluated 2025-02-26.

Conditions:
Multiple endocrine neoplasia type 2A. Also called: MULTIPLE ENDOCRINE NEOPLASIA, TYPE IIA; PTC SYNDROME; SIPPLE SYNDROME; MEN 2A; MEN-2A syndrome; Pheochromocytoma and amyloid producing medullary thyroid carcinoma. Identifiers: Orphanet 247698, Orphanet 653, MedGen C0025268, MeSH D018813, MONDO:0008234, OMIM 171400.
Multiple endocrine neoplasia, type 2 (MEN2). Identifiers: Orphanet 653, MedGen C4048306, MONDO:0019003. Disease mechanism: gain of function.

Allele frequency attached by ClinVar (database versions not stated): gnomAD exomes below 0.00001.
gnomAD v4.1: 2 of 1,605,676 alleles (0.00012%); highest among the groups gnomAD compares: Non-Finnish European, 0.00017%; no homozygotes.

Submissions (4):

Myriad Genetics, Inc.
Classification: Likely benign for Multiple endocrine neoplasia type 2A. Last evaluated: 2025-02-26. Review status: criteria provided, single submitter. Criteria: Myriad Autosomal Dominant, Autosomal Recessive and X-Linked Classification Criteria (2023). Collection method: clinical testing. Allele origin: unknown.
Comment: This variant is considered likely benign. This variant is intronic and is not expected to impact mRNA splicing.

All of Us Research Program, National Institutes of Health
Classification: Likely benign for Multiple endocrine neoplasia, type 2. Last evaluated: 2024-07-10. Review status: criteria provided, single submitter. Criteria: ACMG Guidelines, 2015. Collection method: clinical testing. Allele origin: germline. Inheritance: Autosomal dominant inheritance. Observed: 1 variant allele, 1 heterozygote.
Comment: This study involves interpretation of variants in research participants for the purpose of population health screening. Participant phenotype was not available at the time of variant classification. Additional details can be found in publication PMID: 35346344, PMCID: PMC8962531

Color Diagnostics, LLC DBA Color Health
Classification: Likely benign for Multiple endocrine neoplasia, type 2. Last evaluated: 2024-06-14. Review status: criteria provided, single submitter. Criteria: ACMG Guidelines, 2015. Collection method: clinical testing. Allele origin: germline.

Labcorp Genetics (formerly Invitae), Labcorp
Classification: Likely benign for Multiple endocrine neoplasia, type 2. Last evaluated: 2020-10-21. Review status: criteria provided, single submitter. Criteria: Invitae Variant Classification Sherloc (09022015). Collection method: clinical testing. Allele origin: germline.